The following is an entry in ClinVar:

NM_000038.6(APC):c.3381G>A (p.Gln1127=)

Gene: APC (APC regulator of Wnt signaling pathway; plus strand). Cytogenetic location: 5q22.2.
Variant type: single nucleotide variant.
Coding change: c.3381G>A on transcript NM_000038.6 (MANE Select); coding-DNA position 3381, G replaced by A.
Protein change: p.Gln1127=; no amino-acid change (glutamine 1127 retained).
Molecular consequence: synonymous variant. On other transcripts: non-coding transcript variant (2).
Genome position (GRCh38, 1-based): chr5:112,838,975, G>A. VCF-style: chr5-112838975-G-A. GRCh37 (hg19) VCF-style: chr5-112174672-G-A.
Other names: c.3360G>A, p.Gln1120= (NM_001407451.1); c.3351G>A, p.Gln1117= (NM_001407452.1); c.3204G>A, p.Gln1068= (NM_001407453.1, NM_001354901.2); c.3132G>A, p.Gln1044= (NM_001407454.1, NM_001407455.1, NM_001407456.1 and 1 more transcripts); c.3465G>A, p.Gln1155= (NM_001407446.1); c.3435G>A, p.Gln1145= (NM_001407447.1, NM_001407448.1, NM_001407449.1 and 1 more transcripts); c.3381G>A, p.Gln1127= (NM_001407450.1, NM_001127510.3, NM_001354895.2); c.3327G>A, p.Gln1109= (NM_001127511.3); and 12 more.
Identifiers: ClinVar variation 2723934 (VCV002723934.6), dbSNP rs1554084977, ClinGen allele CA445963771.

ClinVar aggregate classification (germline): Benign/Likely benign. Review status: criteria provided, multiple submitters, no conflicts (2 of 4 stars). 4 submissions from 4 submitters: Benign (1); Likely benign (3). Last evaluated 2025-02-12.

Conditions:
Hereditary cancer-predisposing syndrome. Also called: Neoplastic Syndromes, Hereditary; Tumor predisposition; Hereditary neoplastic syndrome; Hereditary Cancer Syndrome. Identifiers: Orphanet 140162, MedGen C0027672, MeSH D009386, MONDO:0015356.
Familial adenomatous polyposis 1 (FAP1). Also called: FAMILIAL ADENOMATOUS POLYPOSIS 1, ATTENUATED; POLYPOSIS, ADENOMATOUS INTESTINAL. Identifiers: MedGen C2713442, MONDO:0021056, OMIM 175100. Disease mechanism: loss of function.

Submissions (4):

Labcorp Genetics (formerly Invitae), Labcorp
Classification: Likely benign for Familial adenomatous polyposis 1. Last evaluated: 2025-02-12. Review status: criteria provided, single submitter. Criteria: Invitae Variant Classification Sherloc (09022015). Collection method: clinical testing. Allele origin: germline.

Ambry Genetics
Classification: Likely benign for Hereditary cancer-predisposing syndrome. Last evaluated: 2024-10-15. Review status: criteria provided, single submitter. Criteria: Ambry Variant Classification Scheme 2023. Collection method: clinical testing. Allele origin: germline.

Myriad Genetics, Inc.
Classification: Benign for Familial adenomatous polyposis 1. Last evaluated: 2024-03-18. Review status: criteria provided, single submitter. Criteria: Myriad Autosomal Dominant, Autosomal Recessive and X-Linked Classification Criteria (2023). Collection method: clinical testing. Allele origin: unknown.
Comment: This variant is considered benign. This variant is a silent/synonymous amino acid change and it is not expected to impact splicing.

Color Diagnostics, LLC DBA Color Health
Classification: Likely benign for Hereditary cancer-predisposing syndrome. Last evaluated: 2023-11-13. Review status: criteria provided, single submitter. Criteria: ACMG Guidelines, 2015. Collection method: clinical testing. Allele origin: germline.